The following is an entry in ClinVar:

NM_001384474.1(LOXHD1):c.1759C>T (p.Arg587Trp)

Gene: LOXHD1 (lipoxygenase homology PLAT domains 1; minus strand). Cytogenetic location: 18q21.1.
Variant type: single nucleotide variant.
Coding change: c.1759C>T on transcript NM_001384474.1 (MANE Select); coding-DNA position 1759, C replaced by T.
Protein change: p.Arg587Trp; replaces arginine 587 with tryptophan.
Molecular consequence: missense variant.
Genome position (GRCh38, 1-based): chr18:46,579,680, G>A on the plus strand (C>T on the coding strand, the complement: LOXHD1 is on the minus strand). VCF-style: chr18-46579680-G-A. GRCh37 (hg19) VCF-style: chr18-44159643-G-A.
Other names: c.1759C>T, p.Arg587Trp (NM_144612.7); short protein forms R587W.
Identifiers: ClinVar variation 228814 (VCV000228814.25), dbSNP rs540100675, ClinGen allele CA10577085.

ClinVar aggregate classification (germline): Conflicting classifications of pathogenicity. Review status: criteria provided, conflicting classifications (1 of 4 stars). 11 submissions from 11 submitters: Likely pathogenic (1); Uncertain significance (8). 2 of the submissions do not count toward it. Last evaluated 2026-06-05.

Conditions:
Autosomal recessive nonsyndromic hearing loss 77. Identifiers: Orphanet 90636, MedGen C2746083, MONDO:0013119, OMIM 613079.

Allele frequency attached by ClinVar (database versions not stated): gnomAD exomes 0.00007 and 0.00009; gnomAD 0.00011 and 0.00013; TOPMed 0.00014; 1000 Genomes Project 30x 0.00016; 1000 Genomes Project 0.00020.
gnomAD v4.1: 111 of 1,551,740 alleles (0.0072%); highest among the groups gnomAD compares: South Asian, 0.02%; no homozygotes.

Submissions (11):

Myriad Genetics, Inc.
Classification: Uncertain significance for Autosomal recessive nonsyndromic hearing loss 77. Last evaluated: 2026-06-05. Review status: criteria provided, single submitter. Criteria: Myriad Autosomal Dominant, Autosomal Recessive and X-Linked Classification Criteria (2023). Collection method: clinical testing. Allele origin: unknown.
Comment: NM_144612.6(LOXHD1):c.1759C>T(R587W) is a missense variant classified as a variant of uncertain significance in the context of nonsyndromic hearing loss, LOXHD1-related. R587W has been observed in cases with relevant disease (PMID: 22341973, 25251670, 31827275, 39767564, 40164689). Relevant functional assessments of this variant are not available in the literature. R587W has been observed in referenced population frequency databases. In summary, there is insufficient evidence to classify NM_144612.6(LOXHD1):c.1759C>T(R587W) as pathogenic or benign. Please note: this variant was assessed in the context of healthy population screening.

CeGaT Center for Human Genetics Tuebingen
Classification: Uncertain significance. Last evaluated: 2025-08-01. Review status: criteria provided, single submitter. Criteria: CeGaT Center For Human Genetics Tuebingen Variant Classification Criteria Version 2. Collection method: clinical testing. Allele origin: germline. Affected: yes. Observed: 1 variant allele.
Comment: LOXHD1: PM2, PM3:Supporting

Natera, Inc.
Classification: Likely pathogenic for Autosomal recessive deafness type 77. Last evaluated: 2025-05-30. Review status: criteria provided, single submitter. Criteria: Natera Variant Classification Schema (03/2026). Collection method: clinical testing. Allele origin: germline.
Comment: The c.1759C>T variant in LOXHD1 is a missense variant predicted to cause substitution of arginine to tryptophan at amino acid 587. This variant is rare in the general population with a frequency below the threshold expected for the associated phenotype(s). This variant has been observed in one or more individuals affected with the associated recessive disease, as either homozygous or compound heterozygous with a second variant (PMID: 31827275, 39767564). Computational prediction algorithms indicate this variant is likely to affect gene or protein function. Given the available evidence, this variant is classified as Likely Pathogenic.

Blueprint Genetics
Classification: Uncertain significance. Last evaluated: 2024-03-25. Review status: criteria provided, single submitter. Criteria: ACMG Guidelines, 2015. Collection method: clinical testing. Allele origin: germline.

GeneDx
Classification: Uncertain significance. Last evaluated: 2023-12-13. Review status: criteria provided, single submitter. Criteria: GeneDx Variant Classification Process June 2021. Collection method: clinical testing. Allele origin: germline. Affected: yes.
Comment: Reported along with a second variant in the LOXHD1 gene in a patient with sensorineural hearing loss in the published literature; however, segregation information was not provided (PMID: 31827275); Reported as a heterozygous variant in a patient with sensorineural hearing impairment in the published literature; however, a second variant in LOXHD1 gene was not reported (PMID: 25251670); Identified in a patient with late-onset Fuchs corneal dystrophy in published literature (PMID: 22341973); In silico analysis supports that this missense variant has a deleterious effect on protein structure/function; This variant is associated with the following publications: (PMID: 25251670, 31827275, 22341973)

Fulgent Genetics
Classification: Uncertain significance for Autosomal recessive nonsyndromic hearing loss 77. Last evaluated: 2022-05-05. Review status: criteria provided, single submitter. Criteria: ACMG Guidelines, 2015. Collection method: clinical testing. Allele origin: unknown.

Women's Health and Genetics/Laboratory Corporation of America, LabCorp
Classification: Uncertain significance. Last evaluated: 2022-03-08. Review status: criteria provided, single submitter. Criteria: LabCorp Variant Classification Summary - May 2015. Collection method: clinical testing. Allele origin: germline.
Comment: Variant summary: LOXHD1 c.1759C>T (p.Arg587Trp) results in a non-conservative amino acid change located in the PLAT/LH2 domain (IPR001024) of the encoded protein sequence. Five of five in-silico tools predict a damaging effect of the variant on protein function. The variant allele was found at a frequency of 8.8e-05 in 158588 control chromosomes (gnomAD). This frequency is not significantly higher than expected for a pathogenic variant in LOXHD1 causing Nonsyndromic Hearing Loss And Deafness, Type 77 (8.8e-05 vs 0.0011), allowing no conclusion about variant significance. c.1759C>T has been reported in the literature in individuals affected with Congenital hearing impairment or Fuchs corneal dystrophy (e.g. Riazuddin_2012, Chai_2014, Downie_2020). These data do not allow any conclusion about variant significance. To our knowledge, no experimental evidence demonstrating an impact on protein function has been reported. Two ClinVar submitters have assessed this variant since 2014: both classified the variant as of uncertain significance. Based on the evidence outlined above, the variant was classified as uncertain significance.

Victorian Clinical Genetics Services, Murdoch Childrens Research Institute
Classification: Uncertain significance for Autosomal recessive nonsyndromic hearing loss 77. Last evaluated: 2018-07-01. Review status: criteria provided, single submitter. Criteria: ACMG Guidelines, 2015. Collection method: clinical testing. Allele origin: unknown. Affected: yes.
Comment: A heterozygous missense variant, NM_144612.6(LOXHD1):c.1759C>T, has been identified in exon 13 of 40 of the LOXHD1 gene. The variant is predicted to result in a major amino acid change from an arginine to a tryptophan at position 587 of the protein, NP_653213.6(LOXHD1):p.(Arg587Trp). The arginine residue at this position has very high conservation (100 vertebrates, UCSC), but is not located within a well established functional domain. In silico predictions for this variant are consistently pathogenic (Polyphen, SIFT, CADD, Mutation Taster) and the variant is present in the gnomAD database at a frequency of 0.009322% (17 heterozygotes, 0 homozygotes). The variant has been previously described as a VUS in individuals with autosomal dominant late-onset Fuchs corneal dystrophy (ClinVar, Riazuddin et al., 2012), however it has not been reported in individuals with hearing loss. Also, missense variants in this gene are not a well established mutational mechanism. Based on the information available at the time of curation, this variant has been classified as VARIANT of UNCERTAIN SIGNIFICANCE (VUS).

Laboratory for Molecular Medicine, Mass General Brigham Personalized Medicine
Classification: Uncertain significance. Last evaluated: 2015-12-31. Review status: criteria provided, single submitter. Criteria: LMM Criteria. Collection method: clinical testing. Allele origin: germline. Observed: 1 variant allele.
Comment: The p.Arg587Trp variant in LOXHD1 has not been previously reported in individual s with hearing loss, but has been identified in 1/198 Asian chromosomes by the 1 000 Genomes Project (dbSNP rs540100675). Computational prediction tools and cons ervation analyses do not provide strong support for or against an impact to the protein. In summary, the clinical significance of the p.Arg587Trp variant is unc ertain.

Clinical Genetics DNA and cytogenetics Diagnostics Lab, Erasmus MC, Erasmus Medical Center
Classification: Uncertain significance. Review status: no assertion criteria provided. Collection method: clinical testing. Allele origin: germline. Affected: yes. Study: VKGL Data-share Consensus. Not counted in ClinVar's aggregate classification.

Joint Genome Diagnostic Labs from Nijmegen and Maastricht, Radboudumc and MUMC+
Classification: Uncertain significance. Review status: no assertion criteria provided. Collection method: clinical testing. Allele origin: germline. Affected: yes. Study: VKGL Data-share Consensus. Not counted in ClinVar's aggregate classification.

Literature cited by the submitters: PubMed 22341973 (cited by 3 submitters); PubMed 25251670 (cited by Myriad Genetics, Inc. and Women's Health and Genetics/Laboratory Corporation of America, LabCorp); PubMed 31827275 (cited by 3 submitters); PubMed 39767564 (cited by Myriad Genetics, Inc. and Natera, Inc.); PubMed 40164689 (cited by Myriad Genetics, Inc.).